The following is an entry in ClinVar:

NM_000492.4(CFTR):c.234dup (p.Trp79fs)

Gene: CFTR (CF transmembrane conductance regulator; plus strand). Cytogenetic location: 7q31.2.
Variant type: Duplication.
Coding change: c.234dup on transcript NM_000492.4 (MANE Select); coding-DNA position 234, one base duplicated (C; older notation c.234dupC).
Protein change: p.Trp79fs; shifts the reading frame from tryptophan 79.
Molecular consequence: frameshift variant.
Genome position (GRCh38, 1-based): chr7:117,509,103, C duplicated. VCF-style (leftmost placement, unchanged base first): chr7-117509102-T-TC. GRCh37 (hg19) VCF-style: chr7-117149156-T-TC.
Other names: c.234dupC (NM_000492.3); short protein forms W79fs.
Identifiers: ClinVar variation 928495 (VCV000928495.11), dbSNP rs1189377616, ClinGen allele CA368972232.

ClinVar aggregate classification (germline): Pathogenic/Likely pathogenic. Review status: criteria provided, multiple submitters, no conflicts (2 of 4 stars). 6 submissions from 6 submitters: Pathogenic (5); Likely pathogenic (1). Last evaluated 2025-08-20.

Conditions:
Cystic fibrosis (CF). Also called: MUCOVISCIDOSIS. Identifiers: Orphanet 586, MedGen C0010674, MONDO:0009061, OMIM 219700. Disease mechanism: loss of function.
Bronchiectasis with or without elevated sweat chloride 1 (BESC1). Also called: Cystic Fibrosis-Like Syndrome. Identifiers: Orphanet 60033, MedGen C2749757, MONDO:0008887, OMIM 211400.
CFTR-related disorder (CFTR-RD). Also called: CFTR-related disorders; CFTR-related condition. Identifiers: MedGen C5924204, MONDO:7770004.

Allele frequency attached by ClinVar (database versions not stated): gnomAD exomes below 0.00001 and 0.00001; gnomAD 0.00001; TOPMed 0.00001; ESP Exome Variant Server 0.00008.

Submissions (6):

PreventionGenetics, part of Exact Sciences
Classification: Pathogenic for CFTR-related condition. Last evaluated: 2025-08-20. Review status: criteria provided, single submitter. Criteria: ACMG Guidelines, 2015. Collection method: clinical testing. Allele origin: germline.
Comment: The CFTR c.234dupC variant is predicted to result in a frameshift and premature protein termination (p.Trp79Leufs*32). This variant has been reported in at least two individuals with cystic fibrosis (Schrijver et al. 2016. PubMed ID: 26708955). This variant is reported in 0.012% of alleles in individuals of African descent in gnomAD. Of note, a different single-nucleotide duplication (c.233dupT) leading to the same p.Trp79Leufs*32 frameshift has been reported in the homozygous and compound heterozygous states in individuals with cystic fibrosis (see for example: Soe and Gregoire-Bottex 2017. PubMed ID: 28174639; Petrova et al. 2019. PubMed ID: 30548586). Frameshift variants in CFTR are expected to be pathogenic. In summary, the c.234dupC variant is interpreted as pathogenic.

Natera, Inc.
Classification: Likely pathogenic for CFTR-related disorders. Last evaluated: 2025-06-17. Review status: criteria provided, single submitter. Criteria: Natera Variant Classification Schema (03/2026). Collection method: clinical testing. Allele origin: germline.
Comment: The c.234dupC variant in CFTR is a frameshift variant predicted to shift the reading frame beginning at codon 79 and leads to a stop codon 32 codons downstream. This variant is expected to result in nonsense mediated decay, truncation, or a dysfunctional protein product. This variant is rare in the general population with a frequency below the threshold expected for the associated phenotype(s). Given the available evidence, this variant is classified as Likely Pathogenic.

Baylor Genetics
Classification: Pathogenic for Bronchiectasis with or without elevated sweat chloride 1. Last evaluated: 2023-11-23. Review status: criteria provided, single submitter. Criteria: ACMG Guidelines, 2015. Collection method: clinical testing. Allele origin: unknown.

Women's Health and Genetics/Laboratory Corporation of America, LabCorp
Classification: Pathogenic for Cystic fibrosis. Last evaluated: 2023-05-22. Review status: criteria provided, single submitter. Criteria: LabCorp Variant Classification Summary - May 2015. Collection method: clinical testing. Allele origin: germline.
Comment: Variant summary: CFTR c.234dupC (p.Trp79LeufsX32) results in a premature termination codon, predicted to cause a truncation of the encoded protein or absence of the protein due to nonsense mediated decay, which are commonly known mechanisms for disease. Variants downstream of this position have been classified as pathogenic by our laboratory. The variant allele was found at a frequency of 8e-06 in 251016 control chromosomes (gnomAD). c.234dupC has been reported in the literature in at-least one individual affected with Cystic Fibrosis (example, Schrijver_2016) although a different variant, c.234dupT, also translating to the same protein effect has been reported in affected individuals (example, Petrova_2019, Soe_2017). To our knowledge, no experimental evidence demonstrating an impact on protein function has been reported. The following publications have been ascertained in the context of this evaluation (PMID: 26708955, 30548586, 28174639). Three ClinVar submitters (evaluation after 2014) cite this variant as pathogenic (n=2) and likely pathogenic (n=1). Based on the evidence outlined above, the variant was classified as pathogenic.

Ambry Genetics
Classification: Pathogenic for Cystic fibrosis. Last evaluated: 2021-11-04. Review status: criteria provided, single submitter. Criteria: Ambry Variant Classification Scheme 2023. Collection method: clinical testing. Allele origin: germline.
Comment: The c.234dupC pathogenic mutation, located in coding exon 3 of the CFTR gene, results from a duplication of C at nucleotide position 234, causing a translational frameshift with a predicted alternate stop codon (p.W79Lfs*32). This alteration has been detected in individuals with cystic fibrosis or CFTR-related disorders (Schrijver I et al. J Mol Diagn, 2016 Jan;18:39-50). In addition to the clinical data presented in the literature, this alteration is expected to result in loss of function by premature protein truncation or nonsense-mediated mRNA decay. As such, this alteration is interpreted as a disease-causing mutation.

Johns Hopkins Genomics, Johns Hopkins University
Classification: Pathogenic for Cystic fibrosis. Last evaluated: 2021-09-28. Review status: criteria provided, single submitter. Criteria: ACMG Guidelines, 2015. Collection method: clinical testing. Allele origin: germline.
Comment: This variant (rs751305135) is rare (<0.1%) in a large population dataset (gnomAD: 2/251016 total alleles; 0.0008%; no homozygotes) and has been reported in ClinVar (variant ID: 928495). This frameshift variant results in a premature stop codon in exon 4 likely leading to nonsense-mediated decay and lack of protein production. We consider this variant to be pathogenic.

Literature cited by the submitters: PubMed 26708955 (cited by 3 submitters); PubMed 30548586 (cited by Women's Health and Genetics/Laboratory Corporation of America, LabCorp); PubMed 28174639 (cited by Women's Health and Genetics/Laboratory Corporation of America, LabCorp).